The following is an entry in ClinVar:

NM_007325.5(GRIA3):c.832C>A (p.Pro278Thr)

Gene: GRIA3 (glutamate ionotropic receptor AMPA type subunit 3; plus strand). Cytogenetic location: Xq25.
Variant type: single nucleotide variant.
Coding change: c.832C>A on transcript NM_007325.5 (MANE Select); coding-DNA position 832, C replaced by A.
Protein change: p.Pro278Thr; replaces proline 278 with threonine.
Molecular consequence: missense variant.
Genome position (GRCh38, 1-based): chrX:123,395,049, C>A. VCF-style: chrX-123395049-C-A. GRCh37 (hg19) VCF-style: chrX-122528900-C-A.
Other names: c.832C>A, p.Pro278Thr (NM_000828.5); short protein forms P278T.
Identifiers: ClinVar variation 1374808 (VCV001374808.8), dbSNP rs766414330, ClinGen allele CA10506969.

ClinVar aggregate classification (germline): Uncertain significance (1 of 4 stars; one submission).

Allele frequency attached by ClinVar (database versions not stated): ExAC 0.00001; gnomAD exomes 0.00001.
gnomAD v4.1: 7 of 1,202,973 alleles (0.00058%); highest among the groups gnomAD compares: Non-Finnish European, 0.00079%; no homozygotes.

Submission:

Labcorp Genetics (formerly Invitae), Labcorp
Classification: Uncertain significance. Last evaluated: 2021-02-21. Review status: criteria provided, single submitter. Criteria: Invitae Variant Classification Sherloc (09022015). Collection method: clinical testing. Allele origin: germline.
Comment: In summary, the available evidence is currently insufficient to determine the role of this variant in disease. Therefore, it has been classified as a Variant of Uncertain Significance. Advanced modeling of protein sequence and biophysical properties (such as structural, functional, and spatial information, amino acid conservation, physicochemical variation, residue mobility, and thermodynamic stability) performed at Invitae indicates that this missense variant is expected to disrupt GRIA3 protein function. This variant has not been reported in the literature in individuals with GRIA3-related conditions. This variant is present in population databases (rs766414330, ExAC 0.002%). This sequence change replaces proline with threonine at codon 278 of the GRIA3 protein (p.Pro278Thr). The proline residue is highly conserved and there is a small physicochemical difference between proline and threonine.